The following is an entry in ClinVar:

NM_003482.4(KMT2D):c.4693+1G>T

Gene: KMT2D (lysine methyltransferase 2D; minus strand). Cytogenetic location: 12q13.12.
Variant type: single nucleotide variant.
Coding change: c.4693+1G>T on transcript NM_003482.4 (MANE Select); the canonical splice donor site of the intron after coding-DNA position 4693, G replaced by T.
Molecular consequence: splice donor variant.
Genome position (GRCh38, 1-based): chr12:49,046,064, C>A on the plus strand (G>T on the coding strand, the complement: KMT2D is on the minus strand). VCF-style: chr12-49046064-C-A. GRCh37 (hg19) VCF-style: chr12-49439847-C-A.
Identifiers: ClinVar variation 280134 (VCV000280134.2), dbSNP rs886041406, ClinGen allele CA10603312.

ClinVar aggregate classification (germline): Pathogenic (1 of 4 stars; one submission).

Submission:

GeneDx
Classification: Pathogenic. Last evaluated: 2015-12-28. Review status: criteria provided, single submitter. Criteria: GeneDx Variant Classification (06012015). Collection method: clinical testing. Allele origin: germline. Affected: yes.
Comment: The c.4693+1 G>T splice site variant in the KMT2D gene has been previously reported as an apparently de novo variant in association with Kabuki syndrome (Miyake et al., 2013). This pathogenic variant destroys the canonical splice donor site in intron 17, and is expected to cause abnormal gene splicing. The c.4693+1 G>T variant was not observed in approximately 6,300 individuals of European and African American ancestry in the NHLBI Exome Sequencing Project, indicating it is not a common benign variant in these populations.